The following is an entry in ClinVar:

NM_004540.5(NCAM2):c.1039G>A (p.Asp347Asn)

Gene: NCAM2 (neural cell adhesion molecule 2; plus strand). Cytogenetic location: 21q21.1.
Variant type: single nucleotide variant.
Coding change: c.1039G>A on transcript NM_004540.5 (MANE Select); coding-DNA position 1039, G replaced by A.
Protein change: p.Asp347Asn; replaces aspartic acid 347 with asparagine.
Molecular consequence: missense variant.
Genome position (GRCh38, 1-based): chr21:21,338,529, G>A. VCF-style: chr21-21338529-G-A. GRCh37 (hg19) VCF-style: chr21-22710849-G-A.
Other names: c.1039G>A, p.Asp347Asn (NM_001352591.2, NM_001352593.2, NM_001352594.2 and 1 more transcripts); c.1114G>A, p.Asp372Asn (NM_001352592.2, NM_001352597.2); c.613G>A, p.Asp205Asn (NM_001352595.2); short protein forms D205N, D347N, D372N.
Identifiers: ClinVar variation 3041245 (VCV003041245.2), dbSNP rs35654962, ClinGen allele CA9985253.

ClinVar aggregate classification (germline): Benign (0 of 4 stars; one submission).

Conditions:
NCAM2-related disorder. Also called: NCAM2-related condition.

Allele frequency attached by ClinVar (database versions not stated): gnomAD exomes 0.00122; ExAC 0.00454; gnomAD 0.01322; 1000 Genomes Project 0.01398; ESP Exome Variant Server 0.01451; TOPMed 0.01485; 1000 Genomes Project 30x 0.01515.
gnomAD v4.1: 3,884 of 1,606,242 alleles (0.24%); highest among the groups gnomAD compares: African/African-American, 4.5%; 75 homozygotes.

Submission:

PreventionGenetics, part of Exact Sciences
Classification: Benign for NCAM2-related condition. Last evaluated: 2020-02-18. Review status: no assertion criteria provided. Collection method: clinical testing. Allele origin: germline.
Comment: This variant is classified as benign based on ACMG/AMP sequence variant interpretation guidelines (Richards et al. 2015 PMID: 25741868, with internal and published modifications).